The following is an entry in ClinVar:

ClinVar aggregate classification (germline): Uncertain significance (1 of 4 stars; one submission).

Conditions:
Nephronophthisis. Also called: Juvenile Nephronophthisis. Identifiers: Orphanet 655, MedGen C0687120, MONDO:0019005, HP:0000090.

Submission:

Labcorp Genetics (formerly Invitae), Labcorp
Classification: Uncertain significance for Nephronophthisis. Last evaluated: 2022-11-08. Review status: criteria provided, single submitter. Criteria: Invitae Variant Classification Sherloc (09022015). Collection method: clinical testing. Allele origin: germline.
Comment: Advanced modeling of protein sequence and biophysical properties (such as structural, functional, and spatial information, amino acid conservation, physicochemical variation, residue mobility, and thermodynamic stability) has been performed at Invitae for this missense variant, however the output from this modeling did not meet the statistical confidence thresholds required to predict the impact of this variant on NPHP3 protein function. In summary, the available evidence is currently insufficient to determine the role of this variant in disease. Therefore, it has been classified as a Variant of Uncertain Significance. This variant has not been reported in the literature in individuals affected with NPHP3-related conditions. This sequence change replaces serine, which is neutral and polar, with proline, which is neutral and non-polar, at codon 6 of the NPHP3 protein (p.Ser6Pro). This variant is not present in population databases (gnomAD no frequency).

NM_153240.5(NPHP3):c.16T>C (p.Ser6Pro)

Genes: NPHP3 (nephrocystin 3; minus strand), NPHP3-ACAD11 (NPHP3-ACAD11 readthrough (NMD candidate); minus strand), NPHP3-AS1 (NPHP3 antisense RNA 1; plus strand). Cytogenetic location: 3q22.1.
Variant type: single nucleotide variant.
Coding change: c.16T>C on transcript NM_153240.5 (MANE Select); coding-DNA position 16, T replaced by C.
Protein change: p.Ser6Pro; replaces serine 6 with proline.
Molecular consequence: missense variant. On other transcripts: non-coding transcript variant (3).
Genome position (GRCh38, 1-based): chr3:132,722,340, A>G on the plus strand (T>C on the coding strand, the complement: NPHP3 is on the minus strand). VCF-style: chr3-132722340-A-G. GRCh37 (hg19) VCF-style: chr3-132441184-A-G.
Other names: short protein forms S6P.
Identifiers: ClinVar variation 2135713 (VCV002135713.4), dbSNP rs2530523256, ClinGen allele CA354590354.